The following is an entry in ClinVar:

ClinVar aggregate classification (germline): Uncertain significance (1 of 4 stars; one submission).

Conditions:
Hereditary cancer-predisposing syndrome. Also called: Hereditary neoplastic syndrome; Neoplastic Syndromes, Hereditary; Tumor predisposition; Hereditary Cancer Syndrome. Identifiers: Orphanet 140162, MedGen C0027672, MeSH D009386, MONDO:0015356.

Submission:

Ambry Genetics
Classification: Uncertain significance for Hereditary cancer-predisposing syndrome. Last evaluated: 2025-08-04. Review status: criteria provided, single submitter. Criteria: Ambry Variant Classification Scheme 2023. Collection method: clinical testing. Allele origin: germline.
Comment: The c.274C>T variant (also known as p.L92L), located in coding exon 4 of the RAD51D gene, results from a C to T substitution at nucleotide position 274. This nucleotide substitution does not change the amino acid at codon 92. This nucleotide position is highly conserved in available vertebrate species. In silico splice site analysis for this alteration is inconclusive and direct evidence is insufficient at this time (Ambry internal data). Based on the available evidence, the clinical significance of this variant remains unclear.

NM_002878.4(RAD51D):c.274C>T (p.Leu92=)

Genes: RAD51D (RAD51 paralog D; minus strand), RAD51L3-RFFL (RAD51L3-RFFL readthrough; minus strand). Cytogenetic location: 17q12.
Variant type: single nucleotide variant.
Coding change: c.274C>T on transcript NM_002878.4 (MANE Select); coding-DNA position 274, C replaced by T.
Protein change: p.Leu92=; no amino-acid change (leucine 92 retained).
Molecular consequence: synonymous variant. On other transcripts: non-coding transcript variant (2), intron variant (1).
Genome position (GRCh38, 1-based): chr17:35,107,437, G>A on the plus strand (C>T on the coding strand, the complement: RAD51D is on the minus strand). VCF-style: chr17-35107437-G-A. GRCh37 (hg19) VCF-style: chr17-33434456-G-A.
Other names: c.334C>T, p.Leu112= (NM_001142571.2); c.145-956C>T (NM_133629.3).
Identifiers: ClinVar variation 4149910 (VCV004149910.1).